The following is an entry in ClinVar:

ClinVar aggregate classification (germline): Pathogenic (1 of 4 stars; one submission).

Conditions:
Hereditary cancer-predisposing syndrome. Also called: Neoplastic Syndromes, Hereditary; Tumor predisposition; Hereditary Cancer Syndrome; Hereditary neoplastic syndrome. Identifiers: Orphanet 140162, MedGen C0027672, MeSH D009386, MONDO:0015356.

Submission:

Color Diagnostics, LLC DBA Color Health
Classification: Pathogenic for Hereditary cancer-predisposing syndrome. Last evaluated: 2024-02-13. Review status: criteria provided, single submitter. Criteria: ACMG Guidelines, 2015. Collection method: clinical testing. Allele origin: germline.
Comment: This variant changes 1 nucleotide in exon 11 of the BRCA2 gene, creating a premature translation stop signal. This variant is expected to result in an absent or non-functional protein product. To our knowledge, this variant has not been reported in individuals affected with BRCA2-related disorders in the literature. A different variant resulting in a premature termination codon at the same position, c.3158T>G (p.Leu1053*), has been reported in individuals affected with breast cancer (PMID: 28814288) and prostate cancer (PMID: 21952622, 29915322, 32853339). This variant has not been identified in the general population by the Genome Aggregation Database (gnomAD). Loss of BRCA2 function is a known mechanism of disease. Based on the available evidence, this variant is classified as Pathogenic.

Literature cited by the submitters: PubMed 21952622; PubMed 28814288; PubMed 29915322; PubMed 32853339.

NM_000059.4(BRCA2):c.3158T>A (p.Leu1053Ter)

Gene: BRCA2 (BRCA2 DNA repair associated; plus strand). Cytogenetic location: 13q13.1.
Variant type: single nucleotide variant.
Coding change: c.3158T>A on transcript NM_000059.4 (MANE Select); coding-DNA position 3158, T replaced by A.
Protein change: p.Leu1053Ter; replaces leucine 1053 with a stop codon.
Molecular consequence: nonsense. On other transcripts: non-coding transcript variant (1), intron variant (2).
Genome position (GRCh38, 1-based): chr13:32,337,513, T>A. VCF-style: chr13-32337513-T-A. GRCh37 (hg19) VCF-style: chr13-32911650-T-A.
Other names: c.3158T>A, p.Leu1053Ter (NM_001406719.1, NM_001406720.1, NM_001432077.1); c.1909+4126T>A (NM_001406721.1); c.424+6483T>A (NM_001406722.1); short protein forms L1053*.
Identifiers: ClinVar variation 3894479 (VCV003894479.1).